The following is an entry in ClinVar:

NM_004369.4(COL6A3):c.6868C>T (p.Arg2290Cys)

Gene: COL6A3 (collagen type VI alpha 3 chain; minus strand). Cytogenetic location: 2q37.3.
Variant type: single nucleotide variant.
Coding change: c.6868C>T on transcript NM_004369.4 (MANE Select); coding-DNA position 6868, C replaced by T.
Protein change: p.Arg2290Cys; replaces arginine 2290 with cysteine.
Molecular consequence: missense variant.
Genome position (GRCh38, 1-based): chr2:237,350,158, G>A on the plus strand (C>T on the coding strand, the complement: COL6A3 is on the minus strand). VCF-style: chr2-237350158-G-A. GRCh37 (hg19) VCF-style: chr2-238258801-G-A.
Other names: p.R2290C:CGT>TGT; c.5047C>T, p.Arg1683Cys (NM_057166.5); c.6250C>T, p.Arg2084Cys (NM_057167.4); short protein forms R2290C, R1683C, R2084C.
Identifiers: ClinVar variation 162551 (VCV000162551.26), dbSNP rs116608946, ClinGen allele CA295314.
Genomic context (GRCh38, chr2:237,350,158, plus strand): 5'-CCAGCAAAGAGTCAGCGACAGCCTGACCCCAAGCGCGCTGTGACCTTACCGTCTCCCCAC[G>A]AGGGCCCCGGTTCCCGATTCCTCCTTTTGGTCCTGGCTCTCCGGGCTCACCCTAGACATG-3'
Protein context (NP_004360.2, residues 2280-2300): PKGGIGNRGP[Arg2290Cys]GETGDDGRDG

ClinVar aggregate classification (germline): Conflicting classifications of pathogenicity. Review status: criteria provided, conflicting classifications (1 of 4 stars). 8 submissions from 8 submitters: Uncertain significance (7); Benign (1). Last evaluated 2026-07-20.

Conditions:
COL6A3-related disorder. Also called: COL6A3-related disorders; COL6A3-related condition.
Collagen 6-related myopathy. Identifiers: MedGen CN117976, MONDO:0100225.
Bethlem myopathy 1A. Also called: MYOPATHY, BENIGN CONGENITAL, WITH CONTRACTURES; Bethlem myopathy 1; Bethlem Muscular Dystrophy. Identifiers: Orphanet 610, MedGen CN029274, MONDO:0024530, OMIM 158810.

Allele frequency attached by ClinVar (database versions not stated): ExAC 0.00011; TOPMed 0.00011; gnomAD 0.00013; 1000 Genomes Project 30x 0.00016; 1000 Genomes Project 0.00020; ESP Exome Variant Server 0.00023.
gnomAD v4.1: 179 of 1,614,034 alleles (0.011%); highest among the groups gnomAD compares: Middle Eastern, 0.23%; no homozygotes.

Submissions (8):

PreventionGenetics, part of Exact Sciences
Classification: Uncertain significance for COL6A3-related condition. Last evaluated: 2026-07-20. Review status: criteria provided, single submitter. Criteria: ACMG Guidelines, 2015. Collection method: clinical testing. Allele origin: germline.
Comment: The COL6A3 c.6868C>T variant is predicted to result in the amino acid substitution p.Arg2290Cys. This variant has been reported in the heterozygous state in an individual with limb-girdle muscular dystrophy (Nallamilli et al. 2018. PubMed ID: 30564623) and in an individual with segmental dystonia (Zech et al. 2015. PubMed ID: 26004199). This variant is reported in 0.015% of alleles in individuals of East Asian descent in gnomAD, which may be too frequent to be a primary cause of autosomal dominant disease. At this time, the clinical significance of this variant is uncertain due to the absence of conclusive functional and genetic evidence.

Labcorp Genetics (formerly Invitae), Labcorp
Classification: Uncertain significance for Bethlem myopathy 1A. Last evaluated: 2026-01-26. Review status: criteria provided, single submitter. Criteria: Invitae Variant Classification Sherloc (09022015). Collection method: clinical testing. Allele origin: germline.
Comment: This sequence change replaces arginine, which is basic and polar, with cysteine, which is neutral and slightly polar, at codon 2290 of the COL6A3 protein (p.Arg2290Cys). This variant is present in population databases (rs116608946, gnomAD 0.01%). This missense change has been observed in individual(s) with dystonia and in an individual with clinical suspicion of limb-girdle muscular dystrophy (PMID: 26004199, 30564623). ClinVar contains an entry for this variant (Variation ID: 162551). Invitae Evidence Modeling of protein sequence and biophysical properties (such as structural, functional, and spatial information, amino acid conservation, physicochemical variation, residue mobility, and thermodynamic stability) indicates that this missense variant is expected to disrupt COL6A3 protein function with a positive predictive value of 80%. Algorithms developed to predict the effect of sequence changes on RNA splicing suggest that this variant may disrupt the consensus splice site. In summary, the available evidence is currently insufficient to determine the role of this variant in disease. Therefore, it has been classified as a Variant of Uncertain Significance.

GeneDx
Classification: Uncertain significance. Last evaluated: 2025-04-10. Review status: criteria provided, single submitter. Criteria: GeneDx Variant Classification Process June 2021. Collection method: clinical testing. Allele origin: germline. Affected: yes.
Comment: Reported in the published literature as a single heterozygous variant in association with multiple phenotypes including Limb-Girdle muscular dystrophy, dystonia, Parkinson's disease, and hallux valgus (PMID: 30564623, 33926255, 32019516, 26004199); In silico analysis supports that this missense variant has a deleterious effect on protein structure/function; This variant is associated with the following publications: (PMID: 30564623, 33926255, 32019516, 26004199)

Revvity Omics, Revvity
Classification: Uncertain significance. Last evaluated: 2025-01-06. Review status: criteria provided, single submitter. Criteria: ACMG Guidelines, 2015. Collection method: clinical testing. Allele origin: germline.

Blueprint Genetics
Classification: Uncertain significance. Last evaluated: 2024-10-23. Review status: criteria provided, single submitter. Criteria: ACMG Guidelines, 2015. Collection method: clinical testing. Allele origin: germline.

Women's Health and Genetics/Laboratory Corporation of America, LabCorp
Classification: Uncertain significance. Last evaluated: 2024-09-11. Review status: criteria provided, single submitter. Criteria: LabCorp Variant Classification Summary - May 2015. Collection method: clinical testing. Allele origin: germline.
Comment: Variant summary: COL6A3 c.6868C>T (p.Arg2290Cys) results in a non-conservative amino acid change in the encoded protein sequence. Five of five in-silico tools predict a damaging effect of the variant on protein function. The variant allele was found at a frequency of 0.00011 in 251412 control chromosomes. This frequency is not significantly higher than estimated for a pathogenic variant in COL6A3 causing Ullrich Congenital Muscular Dystrophy 1, allowing no conclusion about variant significance. c.6868C>T has been reported in the literature in heterozygous individuals affected with Limb Girdle Muscular Dystrophy 1 (Nallamilli_2018) or Segmental dystonia with a second variant unknown (Zech_2015). These data do not allow any conclusion about variant significance. To our knowledge, no experimental evidence demonstrating an impact on protein function has been reported. The following publications have been ascertained in the context of this evaluation (PMID: 30564623, 26004199). ClinVar contains an entry for this variant (Variation ID: 162551). Based on the evidence outlined above, the variant was classified as uncertain significance.

Eurofins Ntd Llc (ga)
Classification: Uncertain significance. Last evaluated: 2018-04-27. Review status: criteria provided, single submitter. Criteria: EGL ClinVar v180209 classification definitions. Collection method: clinical testing. Allele origin: germline. Observed: 5 variant alleles, 5 heterozygotes.

Illumina Laboratory Services, Illumina
Classification: Benign for Collagen VI-related myopathy. Last evaluated: 2018-01-12. Review status: criteria provided, single submitter. Criteria: ICSL Variant Classification Criteria 13 December 2019. Collection method: clinical testing. Allele origin: germline.
Comment: This variant was observed in the ICSL laboratory as part of a predisposition screen in an ostensibly healthy population. It had not been previously curated by ICSL or reported in the Human Gene Mutation Database (HGMD: prior to June 1st, 2018), and was therefore a candidate for classification through an automated scoring system. Utilizing variant allele frequency, disease prevalence and penetrance estimates, and inheritance mode, an automated score was calculated to assess if this variant is too frequent to cause the disease. Based on the score and internal cut-off values, a variant classified as benign is not then subjected to further curation. The score for this variant resulted in a classification of benign for this disease.

Literature cited by the submitters: PubMed 26004199 (cited by Labcorp Genetics (formerly Invitae), Labcorp and Women's Health and Genetics/Laboratory Corporation of America, LabCorp); PubMed 30564623 (cited by Labcorp Genetics (formerly Invitae), Labcorp and Women's Health and Genetics/Laboratory Corporation of America, LabCorp).